The following is an entry in ClinVar:

NM_014363.6(SACS):c.1693del (p.Ile565fs)

Gene: SACS (sacsin molecular chaperone; minus strand). Cytogenetic location: 13q12.12.
Variant type: Deletion.
Coding change: c.1693del on transcript NM_014363.6 (MANE Select); coding-DNA position 1693, one base deleted (A; older notation c.1693delA).
Protein change: p.Ile565fs; shifts the reading frame from isoleucine 565.
Molecular consequence: frameshift variant.
Genome position (GRCh38, 1-based): chr13:23,354,919, T deleted on the plus strand (A on the coding strand, the reverse complement: SACS is on the minus strand); the first of 2 consecutive T bases (chr13:23,354,919-23,354,920); deleting either gives the same sequence. VCF-style (leftmost placement, unchanged base first): chr13-23354918-AT-A. GRCh37 (hg19) VCF-style: chr13-23929057-AT-A.
Other names: c.1252del, p.Ile418fs (NM_001278055.2); c.1693delA (NM_014363.5); short protein forms I418fs, I565fs.
Identifiers: ClinVar variation 2903498 (VCV002903498.4), dbSNP rs2542394063, ClinGen allele CA2622331275.
Genomic context (GRCh38, chr13:23,354,918, plus strand): 5'-TCTAAATTTTCATCAAGTTCTGAGAAGTACACCTGCTCCAACCTGACCCAGTCACAGCTA[AT>A]TGAATAAATCACTGCATTCTGCAACAGCTCGCTGAATAGAGGCTCTAACACCGGTTGCCA-3'

ClinVar aggregate classification (germline): Pathogenic/Likely pathogenic. Review status: criteria provided, multiple submitters, no conflicts (2 of 4 stars). 2 submissions from 2 submitters: Pathogenic (1); Likely pathogenic (1). Last evaluated 2025-11-21.

Conditions:
Charlevoix-Saguenay spastic ataxia (SACS). Also called: SPASTIC ATAXIA 6, AUTOSOMAL RECESSIVE; AUTOSOMAL RECESSIVE SPASTIC ATAXIA OF CHARLEVOIX-SAGUENAY; Spastic ataxia of Charlevoix-Saguenay. Identifiers: Orphanet 98, MedGen C1849140, MONDO:0010041, OMIM 270550.
Spastic paraplegia. Identifiers: MedGen C0037772, HP:0001258.

Submissions (2):

Natera, Inc.
Classification: Likely pathogenic for Charlevoix-Saguenay type spastic ataxia. Last evaluated: 2025-11-21. Review status: criteria provided, single submitter. Criteria: Natera Variant Classification Schema (03/2026). Collection method: clinical testing. Allele origin: germline.
Comment: The c.1693delA variant in SACS is a frameshift variant predicted to shift the reading frame beginning at codon 565 and leads to a stop codon 20 codons downstream. This variant is expected to result in nonsense mediated decay, truncation, or a dysfunctional protein product. This variant is rare in the general population with a frequency below the threshold expected for the associated phenotype(s). Given the available evidence, this variant is classified as Likely Pathogenic.

Labcorp Genetics (formerly Invitae), Labcorp
Classification: Pathogenic for Spastic paraplegia. Last evaluated: 2023-10-23. Review status: criteria provided, single submitter. Criteria: Invitae Variant Classification Sherloc (09022015). Collection method: clinical testing. Allele origin: germline.
Comment: This sequence change creates a premature translational stop signal (p.Ile565Leufs*20) in the SACS gene. It is expected to result in an absent or disrupted protein product. Loss-of-function variants in SACS are known to be pathogenic (PMID: 18465152, 20876471). This variant is not present in population databases (gnomAD no frequency). This variant has not been reported in the literature in individuals affected with SACS-related conditions. For these reasons, this variant has been classified as Pathogenic.

Literature cited by the submitters: PubMed 18465152 (cited by Labcorp Genetics (formerly Invitae), Labcorp); PubMed 20876471 (cited by Labcorp Genetics (formerly Invitae), Labcorp).